The following is an entry in ClinVar:

NM_001378615.1(CC2D2A):c.1955C>T (p.Pro652Leu)

Genes: CC2D2A (coiled-coil and C2 domain containing 2A; plus strand), FBXL5 (F-box and leucine rich repeat protein 5; minus strand). Cytogenetic location: 4p15.32.
Variant type: single nucleotide variant.
Coding change: c.1955C>T on transcript NM_001378615.1 (MANE Select); coding-DNA position 1955, C replaced by T.
Protein change: p.Pro652Leu; replaces proline 652 with leucine.
Molecular consequence: missense variant.
Genome position (GRCh38, 1-based): chr4:15,538,089, C>T. VCF-style: chr4-15538089-C-T. GRCh37 (hg19) VCF-style: chr4-15539712-C-T.
Other names: c.1955C>T, p.Pro652Leu (NM_001080522.2); c.1808C>T, p.Pro603Leu (NM_001378617.1); short protein forms P603L, P652L.
Identifiers: ClinVar variation 902800 (VCV000902800.14), dbSNP rs759126033, ClinGen allele CA2863804.

ClinVar aggregate classification (germline): Uncertain significance. Review status: criteria provided, multiple submitters, no conflicts (2 of 4 stars). 5 submissions from 4 submitters: Uncertain significance (5). Last evaluated 2025-08-31.

Conditions:
Meckel-Gruber syndrome. Also called: Dysencephalia splachnocystica; DYSENCEPHALIA SPLANCHNOCYSTICA; GRUBER SYNDROME. Identifiers: Orphanet 564, MedGen C0265215, MONDO:0018921.
Joubert syndrome. Also called: Familial aplasia of the vermis; JOUBERT-BOLTSHAUSER SYNDROME. Identifiers: Orphanet 475, MedGen C5979921, MONDO:0018772.
Inborn genetic diseases. Identifiers: MedGen C0950123, MeSH D030342.
Meckel syndrome, type 6. Identifiers: Orphanet 564, MedGen C2676790, MONDO:0012848, OMIM 612284.
Joubert syndrome 9 (JBTS9). Identifiers: Orphanet 2318, MedGen C2676788, MONDO:0012849, OMIM 612285.

Allele frequency attached by ClinVar (database versions not stated): gnomAD exomes 0.00001; ExAC 0.00004.
gnomAD v4.1: 15 of 1,604,020 alleles (0.00094%); highest among the groups gnomAD compares: South Asian, 0.0056%; no homozygotes.

Submissions (5):

Ambry Genetics
Classification: Uncertain significance for Inborn genetic diseases. Last evaluated: 2025-08-31. Review status: criteria provided, single submitter. Criteria: Ambry Variant Classification Scheme 2023. Collection method: clinical testing. Allele origin: germline.

Labcorp Genetics (formerly Invitae), Labcorp
Classification: Uncertain significance for Joubert syndrome; Meckel-Gruber syndrome. Last evaluated: 2024-10-15. Review status: criteria provided, single submitter. Criteria: Invitae Variant Classification Sherloc (09022015). Collection method: clinical testing. Allele origin: germline.
Comment: This sequence change replaces proline, which is neutral and non-polar, with leucine, which is neutral and non-polar, at codon 652 of the CC2D2A protein (p.Pro652Leu). This variant is present in population databases (rs759126033, gnomAD 0.004%). This variant has not been reported in the literature in individuals affected with CC2D2A-related conditions. ClinVar contains an entry for this variant (Variation ID: 902800). Invitae Evidence Modeling of protein sequence and biophysical properties (such as structural, functional, and spatial information, amino acid conservation, physicochemical variation, residue mobility, and thermodynamic stability) has been performed for this missense variant. However, the output from this modeling did not meet the statistical confidence thresholds required to predict the impact of this variant on CC2D2A protein function. In summary, the available evidence is currently insufficient to determine the role of this variant in disease. Therefore, it has been classified as a Variant of Uncertain Significance.

Blueprint Genetics
Classification: Uncertain significance. Last evaluated: 2023-10-30. Review status: criteria provided, single submitter. Criteria: ACMG Guidelines, 2015. Collection method: clinical testing. Allele origin: germline.

Illumina Laboratory Services, Illumina
Classification: Uncertain significance for Meckel syndrome, type 6. Last evaluated: 2018-01-13. Review status: criteria provided, single submitter. Criteria: ICSL Variant Classification Criteria 13 December 2019. Collection method: clinical testing. Allele origin: germline.

Illumina Laboratory Services, Illumina
Classification: Uncertain significance for Joubert syndrome 9. Last evaluated: 2018-01-13. Review status: criteria provided, single submitter. Criteria: ICSL Variant Classification Criteria 13 December 2019. Collection method: clinical testing. Allele origin: germline.